The following is an entry in ClinVar:

NM_001917.5(DAO):c.300A>G (p.Glu100=)

Gene: DAO (D-amino acid oxidase; plus strand). Cytogenetic location: 12q24.11.
Variant type: single nucleotide variant.
Coding change: c.300A>G on transcript NM_001917.5 (MANE Select); coding-DNA position 300, A replaced by G.
Protein change: p.Glu100=; no amino-acid change (glutamic acid 100 retained).
Molecular consequence: synonymous variant.
Genome position (GRCh38, 1-based): chr12:108,887,555, A>G. VCF-style: chr12-108887555-A-G. GRCh37 (hg19) VCF-style: chr12-109281331-A-G.
Identifiers: ClinVar variation 725454 (VCV000725454.7), dbSNP rs35550859, ClinGen allele CA6771026.
Genomic context (GRCh38, chr12:108,887,555, plus strand): 5'-TTCTCCCAACGCTGAAAACCTGGGCCTGTTCCTAATCTCGGGCTACAACCTCTTCCATGA[A>G]GCCATTCCGGTGGGTGAACAGTTCTTGACCATGAGGGATGAGCACCCAGGGCTGGGGTAG-3'
Protein context (NP_001908.3, residues 90-110): FLISGYNLFH[Glu100=]AIPDPSWKDT

ClinVar aggregate classification (germline): Likely benign. Review status: criteria provided, multiple submitters, no conflicts (2 of 4 stars). 3 submissions from 3 submitters: Likely benign (2). 1 of the submissions does not count toward it. Last evaluated 2019-12-31.

Conditions:
DAO-related disorder. Also called: DAO-related condition.

Allele frequency attached by ClinVar (database versions not stated): 1000 Genomes Project 30x 0.00016; 1000 Genomes Project 0.00020; ESP Exome Variant Server 0.00085; TOPMed 0.00101; gnomAD 0.00104 and 0.00108; ExAC 0.00114; gnomAD exomes 0.00136.
gnomAD v4.1: 1,657 of 1,612,564 alleles (0.1%); highest among the groups gnomAD compares: Non-Finnish European, 0.066%; 12 homozygotes.

Submissions (3):

Labcorp Genetics (formerly Invitae), Labcorp
Classification: Likely benign. Last evaluated: 2019-12-31. Review status: criteria provided, single submitter. Criteria: Invitae Variant Classification Sherloc (09022015). Collection method: clinical testing. Allele origin: germline.

Breakthrough Genomics
Classification: Likely benign. Review status: criteria provided, single submitter. Criteria: ACMG Guidelines, 2015. Collection method: not provided. Allele origin: germline. Inheritance: Unknown mechanism. Affected: yes.

PreventionGenetics, part of Exact Sciences
Classification: Benign for DAO-related condition. Last evaluated: 2019-09-23. Review status: no assertion criteria provided. Collection method: clinical testing. Allele origin: germline. Not counted in ClinVar's aggregate classification.
Comment: This variant is classified as benign based on ACMG/AMP sequence variant interpretation guidelines (Richards et al. 2015 PMID: 25741868, with internal and published modifications).